The following is an entry in ClinVar:

NM_015330.6(SPECC1L):c.2827+8C>G

Genes: SPECC1L (sperm antigen with calponin homology and coiled-coil domains 1 like; plus strand), SPECC1L-ADORA2A (SPECC1L-ADORA2A readthrough (NMD candidate); plus strand). Cytogenetic location: 22q11.23.
Variant type: single nucleotide variant.
Coding change: c.2827+8C>G on transcript NM_015330.6 (MANE Select); 8 bases into the intron after coding-DNA position 2827, C replaced by G.
Molecular consequence: intron variant.
Genome position (GRCh38, 1-based): chr22:24,363,352, C>G. VCF-style: chr22-24363352-C-G. GRCh37 (hg19) VCF-style: chr22-24759320-C-G.
Other names: c.2827+8C>G (NM_001145468.4, NM_001254732.3); c.25+8C>G (NM_001254733.2).
Identifiers: ClinVar variation 1695038 (VCV001695038.31), dbSNP rs201412778, ClinGen allele CA10152448.

ClinVar aggregate classification (germline): Likely benign (1 of 4 stars; one submission).

gnomAD v4.1: 42 of 1,610,474 alleles (0.0026%); highest among the groups gnomAD compares: South Asian, 0.011%; no homozygotes.

Submission:

CeGaT Center for Human Genetics Tuebingen
Classification: Likely benign. Last evaluated: 2022-06-01. Review status: criteria provided, single submitter. Criteria: CeGaT Center For Human Genetics Tuebingen Variant Classification Criteria Version 2. Collection method: clinical testing. Allele origin: germline. Affected: yes. Observed: 1 variant allele.
Comment: SPECC1L: BP4